The following is an entry in ClinVar:

ClinVar aggregate classification (germline): Uncertain significance (1 of 4 stars; one submission).

Conditions:
Cardiovascular phenotype. Identifiers: MedGen CN230736.

Allele frequency attached by ClinVar (database versions not stated): gnomAD exomes below 0.00001; TOPMed below 0.00001.
gnomAD v4.1: 4 of 1,611,394 alleles (0.00025%); highest among the groups gnomAD compares: Non-Finnish European, 0.00034%; no homozygotes.

Submission:

Ambry Genetics
Classification: Uncertain significance for Cardiovascular phenotype. Last evaluated: 2023-06-29. Review status: criteria provided, single submitter. Criteria: Ambry Variant Classification Scheme 2023. Collection method: clinical testing. Allele origin: germline.
Comment: The p.E402V variant (also known as c.1205A>T), located in coding exon 10 of the SOS1 gene, results from an A to T substitution at nucleotide position 1205. The glutamic acid at codon 402 is replaced by valine, an amino acid with dissimilar properties. This amino acid position is conserved. In addition, the in silico prediction for this alteration is inconclusive. Since supporting evidence is limited at this time, the clinical significance of this alteration remains unclear.

NM_005633.4(SOS1):c.1205A>T (p.Glu402Val)

Gene: SOS1 (SOS Ras/Rac guanine nucleotide exchange factor 1; minus strand). Cytogenetic location: 2p22.1.
Variant type: single nucleotide variant.
Coding change: c.1205A>T on transcript NM_005633.4 (MANE Select); coding-DNA position 1205, A replaced by T.
Protein change: p.Glu402Val; replaces glutamic acid 402 with valine.
Molecular consequence: missense variant.
Genome position (GRCh38, 1-based): chr2:39,023,223, T>A on the plus strand (A>T on the coding strand, the complement: SOS1 is on the minus strand). VCF-style: chr2-39023223-T-A. GRCh37 (hg19) VCF-style: chr2-39250364-T-A.
Other names: c.1184A>T, p.Glu395Val (NM_001382394.1); c.1205A>T, p.Glu402Val (NM_001382395.1); short protein forms E395V, E402V.
Identifiers: ClinVar variation 2587628 (VCV002587628.2), dbSNP rs1669853322, ClinGen allele CA346366715.